The following is an entry in ClinVar:

ClinVar aggregate classification (germline): Conflicting classifications of pathogenicity. Review status: criteria provided, conflicting classifications (1 of 4 stars). 3 submissions from 3 submitters: Uncertain significance (2); Likely benign (1). Last evaluated 2025-11-25.

Conditions:
Hennekam lymphangiectasia-lymphedema syndrome 1 (HKLLS1). Also called: LYMPHATIC DYSPLASIA, GENERALIZED. Identifiers: Orphanet 2136, MedGen C4012050, MONDO:0009337, OMIM 235510.
Inborn genetic diseases. Identifiers: MedGen C0950123, MeSH D030342.

Allele frequency attached by ClinVar (database versions not stated): gnomAD 0.00002 and 0.00001; gnomAD exomes 0.00014 and 0.00007; ExAC 0.00016; TOPMed 0.00001.
gnomAD v4.1: 105 of 1,585,546 alleles (0.0066%); highest among the groups gnomAD compares: South Asian, 0.1%; no homozygotes.

Submissions (3):

Ambry Genetics
Classification: Likely benign for Inborn genetic diseases. Last evaluated: 2025-11-25. Review status: criteria provided, single submitter. Criteria: Ambry Variant Classification Scheme 2023. Collection method: clinical testing. Allele origin: germline.

Labcorp Genetics (formerly Invitae), Labcorp
Classification: Uncertain significance. Last evaluated: 2023-07-07. Review status: criteria provided, single submitter. Criteria: Invitae Variant Classification Sherloc (09022015). Collection method: clinical testing. Allele origin: germline.
Comment: In summary, the available evidence is currently insufficient to determine the role of this variant in disease. Therefore, it has been classified as a Variant of Uncertain Significance. Advanced modeling of protein sequence and biophysical properties (such as structural, functional, and spatial information, amino acid conservation, physicochemical variation, residue mobility, and thermodynamic stability) has been performed at Invitae for this missense variant, however the output from this modeling did not meet the statistical confidence thresholds required to predict the impact of this variant on CCBE1 protein function. ClinVar contains an entry for this variant (Variation ID: 625905). This variant has not been reported in the literature in individuals affected with CCBE1-related conditions. This variant is present in population databases (rs756973760, gnomAD 0.1%). This sequence change replaces proline, which is neutral and non-polar, with glutamine, which is neutral and polar, at codon 87 of the CCBE1 protein (p.Pro87Gln).

Center for Genomics, Ann and Robert H. Lurie Children's Hospital of Chicago
Classification: Uncertain significance for Hennekam lymphangiectasia-lymphedema syndrome 1. Last evaluated: 2021-03-30. Review status: criteria provided, single submitter. Criteria: ACMG Guidelines, 2015. Collection method: clinical testing. Allele origin: germline.
Comment: CCBE1 NM_133459.3 exon 3 p.Pro87Gln (c.260C>A): This variant has not been reported in the literature but is present in 0.1% (31/30672) of South Asian alleles in the Genome Aggregation Database. Evolutionary conservation and computational predictive tools suggest that this variant may impact the protein. In summary, data on this variant is insufficient for disease classification. Therefore, the clinical significance of this variant is uncertain.

NM_133459.4(CCBE1):c.260C>A (p.Pro87Gln)

Gene: CCBE1 (collagen and calcium binding EGF domains 1; minus strand). Cytogenetic location: 18q21.32.
Variant type: single nucleotide variant.
Coding change: c.260C>A on transcript NM_133459.4 (MANE Select); coding-DNA position 260, C replaced by A.
Protein change: p.Pro87Gln; replaces proline 87 with glutamine.
Molecular consequence: missense variant.
Genome position (GRCh38, 1-based): chr18:59,480,191, G>T on the plus strand (C>A on the coding strand, the complement: CCBE1 is on the minus strand). VCF-style: chr18-59480191-G-T. GRCh37 (hg19) VCF-style: chr18-57147423-G-T.
Other names: c.260C>A, p.Pro87Gln (LRG_1209t1); c.260C>A (NM_133459.3); short protein forms P87Q.
Identifiers: ClinVar variation 625905 (VCV000625905.6), dbSNP rs756973760, ClinGen allele CA8980580.